The following is an entry in ClinVar:

NM_021625.5(TRPV4):c.37G>T (p.Gly13Trp)

Gene: TRPV4 (transient receptor potential cation channel subfamily V member 4; minus strand). Cytogenetic location: 12q24.11.
Variant type: single nucleotide variant.
Coding change: c.37G>T on transcript NM_021625.5 (MANE Select); coding-DNA position 37, G replaced by T.
Protein change: p.Gly13Trp; replaces glycine 13 with tryptophan.
Molecular consequence: missense variant.
Genome position (GRCh38, 1-based): chr12:109,814,760, C>A on the plus strand (G>T on the coding strand, the complement: TRPV4 is on the minus strand). VCF-style: chr12-109814760-C-A. GRCh37 (hg19) VCF-style: chr12-110252565-C-A.
Other names: c.37G>T, p.Gly13Trp (NM_001177428.2, NM_001177431.2, NM_001177433.2 and 1 more transcripts); short protein forms G13W.
Identifiers: ClinVar variation 245716 (VCV000245716.27), dbSNP rs763302555, ClinGen allele CA6780631.

ClinVar aggregate classification (germline): Conflicting classifications of pathogenicity. Review status: criteria provided, conflicting classifications (1 of 4 stars). 14 submissions from 9 submitters: Uncertain significance (13); Likely benign (1). Last evaluated 2026-01-07.

Conditions:
TRPV4-related disorder. Also called: TRPV4-related disorders; TRPV4-related condition.
Inborn genetic diseases. Identifiers: MedGen C0950123, MeSH D030342.
Charcot-Marie-Tooth disease. Also called: Charcot-Marie-Tooth Hereditary Neuropathy; Charcot-Marie-Tooth Neuropathy. Identifiers: Orphanet 166, MedGen C0007959, MONDO:0015626.
Scapuloperoneal spinal muscular atrophy (SPSMA). Also called: Scapuloperoneal spinal muscular atrophy, autosomal dominant; Scapuloperoneal Form of Spinal Muscular Atrophy; Scapuloperoneal Spinal Muscular Atrophy, TRPV4-Related; AMYOTROPHY, NEUROGENIC SCAPULOPERONEAL, NEW ENGLAND TYPE. Identifiers: Orphanet 431255, MedGen C0751335, MONDO:0008408, OMIM 181405.
Spondylometaphyseal dysplasia, Kozlowski type (SMDK). Also called: Dysmorphism arthrogryposis skeletal maturation advanced; Jequier-Kozlowski syndrome; Skeletal dysplasia Jequier-Kozlowski type; SMD Kozlowski type; Spondylometaphyseal Dysplasia, TRPV4-Related (Kozlowski Type). Identifiers: Orphanet 93314, MedGen C0265280, MONDO:0008477, OMIM 184252.
Metatropic dysplasia (MTD). Also called: METATROPIC DWARFISM; Metatropic dysplasia, nonlethal dominant; Metatropic Dysplasia, TRPV4-Related. Identifiers: Orphanet 2635, MedGen C0265281, MONDO:0007986, OMIM 156530.
Neuronopathy, distal hereditary motor, autosomal dominant 8. Also called: SPINAL MUSCULAR ATROPHY, CONGENITAL BENIGN, WITH CONTRACTURES; Autosomal dominant congenital benign spinal muscular atrophy; NEURONOPATHY, DISTAL HEREDITARY MOTOR, TYPE VIII; NEUROPATHY, DISTAL HEREDITARY MOTOR, TYPE VIII. Identifiers: Orphanet 1216, MedGen C1838492, MONDO:0010839, OMIM 600175.
Charcot-Marie-Tooth disease axonal type 2C (HMSN2C). Also called: CHARCOT-MARIE-TOOTH DISEASE, AXONAL, AUTOSOMAL DOMINANT, TYPE 2C; Charcot-Marie-Tooth Neuropathy Type 2C; Charcot-Marie-Tooth Disease Type 2, TRPV4-Related (CMT2C). Identifiers: Orphanet 99937, MedGen C1853710, MONDO:0011633, OMIM 606071.
Brachyrachia (short spine dysplasia) (BCYM3). Also called: BRACHYRACHIA; Autosomal dominant brachyolmia; Brachyolmia Type 3; Brachyolmia, TRPV4-Related. Identifiers: Orphanet 93304, MedGen C0432227, MONDO:0007232, OMIM 113500.

Allele frequency attached by ClinVar (database versions not stated): gnomAD 0.00003; TOPMed 0.00006.
gnomAD v4.1: 91 of 1,563,530 alleles (0.0058%); highest among the groups gnomAD compares: Non-Finnish European, 0.0073%; no homozygotes.

Submissions (14):

PreventionGenetics, part of Exact Sciences
Classification: Uncertain significance for TRPV4-related condition. Last evaluated: 2026-01-07. Review status: criteria provided, single submitter. Criteria: ACMG Guidelines, 2015. Collection method: clinical testing. Allele origin: germline.
Comment: The TRPV4 c.37G>T variant is predicted to result in the amino acid substitution p.Gly13Trp. To our knowledge, this variant has not been reported in the literature. This variant is reported in 0.0073% of alleles in individuals of European (non-Finnish) descent in gnomAD. At this time, the clinical significance of this variant is uncertain due to the absence of conclusive functional and genetic evidence.

Labcorp Genetics (formerly Invitae), Labcorp
Classification: Uncertain significance for Charcot-Marie-Tooth disease axonal type 2C. Last evaluated: 2025-12-03. Review status: criteria provided, single submitter. Criteria: Invitae Variant Classification Sherloc (09022015). Collection method: clinical testing. Allele origin: germline.
Comment: This sequence change replaces glycine, which is neutral and non-polar, with tryptophan, which is neutral and slightly polar, at codon 13 of the TRPV4 protein (p.Gly13Trp). The frequency data for this variant in the population databases is considered unreliable, as metrics indicate poor data quality at this position in the gnomAD database. This variant has not been reported in the literature in individuals affected with TRPV4-related conditions. ClinVar contains an entry for this variant (Variation ID: 245716). Invitae Evidence Modeling of protein sequence and biophysical properties (such as structural, functional, and spatial information, amino acid conservation, physicochemical variation, residue mobility, and thermodynamic stability) indicates that this missense variant is not expected to disrupt TRPV4 protein function with a negative predictive value of 95%. In summary, the available evidence is currently insufficient to determine the role of this variant in disease. Therefore, it has been classified as a Variant of Uncertain Significance.

Women's Health and Genetics/Laboratory Corporation of America, LabCorp
Classification: Likely benign. Last evaluated: 2025-04-28. Review status: criteria provided, single submitter. Criteria: LabCorp Variant Classification Summary - May 2015. Collection method: clinical testing. Allele origin: germline.
Comment: Variant summary: TRPV4 c.37G>T (p.Gly13Trp) results in a non-conservative amino acid change in the encoded protein sequence. Three of five in-silico tools predict a damaging effect of the variant on protein function. The variant allele was found at a frequency of 5.8e-05 in 1563530 control chromosomes, predominantly at a frequency of 7.3e-05 within the Non-Finnish European subpopulation in the gnomAD database. The observed variant frequency within Non-Finnish European control individuals in the gnomAD database is approximately 73 fold of the estimated maximal expected allele frequency for a pathogenic variant in TRPV4 causing TRPV4-Related Hereditary Motor And Sensory Neuropathy phenotype (1e-06). To our knowledge, no occurrence of c.37G>T in individuals affected with TRPV4-Related Hereditary Motor And Sensory Neuropathy and no experimental evidence demonstrating its impact on protein function have been reported. ClinVar contains an entry for this variant (Variation ID: 245716). Based on the evidence outlined above, the variant was classified as likely benign.

Ambry Genetics
Classification: Uncertain significance for Inborn genetic diseases. Last evaluated: 2023-11-13. Review status: criteria provided, single submitter. Criteria: Ambry Variant Classification Scheme 2023. Collection method: clinical testing. Allele origin: germline.

Revvity Omics, Revvity
Classification: Uncertain significance. Last evaluated: 2023-03-16. Review status: criteria provided, single submitter. Criteria: ACMG Guidelines, 2015. Collection method: clinical testing. Allele origin: germline.

Mayo Clinic Laboratories, Mayo Clinic
Classification: Uncertain significance. Last evaluated: 2019-09-08. Review status: criteria provided, single submitter. Criteria: ACMG Guidelines, 2015. Collection method: clinical testing. Allele origin: germline. Observed: 1 variant allele.

Illumina Laboratory Services, Illumina
Classification: Uncertain significance for Brachyrachia (short spine dysplasia). Last evaluated: 2018-01-15. Review status: criteria provided, single submitter. Criteria: ICSL Variant Classification Criteria 13 December 2019. Collection method: clinical testing. Allele origin: germline.

Illumina Laboratory Services, Illumina
Classification: Uncertain significance for Spondylometaphyseal dysplasia, Kozlowski type. Last evaluated: 2018-01-15. Review status: criteria provided, single submitter. Criteria: ICSL Variant Classification Criteria 13 December 2019. Collection method: clinical testing. Allele origin: germline.

Illumina Laboratory Services, Illumina
Classification: Uncertain significance for Scapuloperoneal spinal muscular atrophy. Last evaluated: 2018-01-15. Review status: criteria provided, single submitter. Criteria: ICSL Variant Classification Criteria 13 December 2019. Collection method: clinical testing. Allele origin: germline.

Illumina Laboratory Services, Illumina
Classification: Uncertain significance for Charcot-Marie-Tooth disease axonal type 2C. Last evaluated: 2018-01-15. Review status: criteria provided, single submitter. Criteria: ICSL Variant Classification Criteria 13 December 2019. Collection method: clinical testing. Allele origin: germline.

Illumina Laboratory Services, Illumina
Classification: Uncertain significance for Neuronopathy, distal hereditary motor, autosomal dominant 8. Last evaluated: 2018-01-15. Review status: criteria provided, single submitter. Criteria: ICSL Variant Classification Criteria 13 December 2019. Collection method: clinical testing. Allele origin: germline.

Illumina Laboratory Services, Illumina
Classification: Uncertain significance for Metatropic dysplasia. Last evaluated: 2018-01-15. Review status: criteria provided, single submitter. Criteria: ICSL Variant Classification Criteria 13 December 2019. Collection method: clinical testing. Allele origin: germline.

GeneDx
Classification: Uncertain significance. Last evaluated: 2017-06-22. Review status: criteria provided, single submitter. Criteria: GeneDx Variant Classification (06012015). Collection method: clinical testing. Allele origin: germline. Affected: yes.
Comment: The G13W variant has not been published as a mutation, nor has it been reported as a benign polymorphism to our knowledge. The G13W variant is a semi-conservative amino acid substitution, which may impact secondary protein structure as these residues differ in some properties. However, this substitution occurs at a position that is not conserved across species, and other missense mutations in nearby residues have not been reported in the Human Gene Mutation Database in association with TRPV4-related disorders (Stenson et al., 2014). In silico analysis is inconsistent in its predictions as to whether or not the variant is damaging to the protein structure/function. Therefore, based on the currently available information, it is unclear whether this variant is a pathogenic mutation or a rare benign variant.

Molecular Genetics Laboratory, London Health Sciences Centre
Classification: Uncertain significance for Charcot-Marie-Tooth disease. Review status: criteria provided, single submitter. Criteria: ACMG Guidelines, 2015. Collection method: clinical testing. Allele origin: germline. Affected: yes.